The following is an entry in ClinVar:

NM_025114.4(CEP290):c.6696A>G (p.Ile2232Met)

Gene: CEP290 (centrosomal protein 290; minus strand). Cytogenetic location: 12q21.32.
Variant type: single nucleotide variant.
Coding change: c.6696A>G on transcript NM_025114.4 (MANE Select); coding-DNA position 6696, A replaced by G.
Protein change: p.Ile2232Met; replaces isoleucine 2232 with methionine.
Molecular consequence: missense variant.
Genome position (GRCh38, 1-based): chr12:88,058,970, T>C on the plus strand (A>G on the coding strand, the complement: CEP290 is on the minus strand). VCF-style: chr12-88058970-T-C. GRCh37 (hg19) VCF-style: chr12-88452747-T-C.
Other names: short protein forms I2232M.
Identifiers: ClinVar variation 3352134 (VCV003352134.2).

ClinVar aggregate classification (germline): Uncertain significance (1 of 4 stars; one submission).

Conditions:
CEP290-related disorder. Also called: CEP290-related disorders; CEP290-related condition. Identifiers: MedGen CN239314.

gnomAD v4.1: 2 of 1,613,386 alleles (0.00012%); highest among the groups gnomAD compares: Admixed American, 0.0033%; no homozygotes.

Submission:

PreventionGenetics, part of Exact Sciences
Classification: Uncertain significance for CEP290-related condition. Last evaluated: 2025-08-03. Review status: criteria provided, single submitter. Criteria: ACMG Guidelines, 2015. Collection method: clinical testing. Allele origin: germline.
Comment: The CEP290 c.6696A>G variant is predicted to result in the amino acid substitution p.Ile2232Met. To our knowledge, this variant has not been reported in the literature. This variant is reported in 0.0058% of alleles in individuals of Latino descent in gnomAD. At this time, the clinical significance of this variant is uncertain due to the absence of conclusive functional and genetic evidence.